The following is an entry in ClinVar:

ClinVar aggregate classification (germline): Conflicting classifications of pathogenicity. Review status: criteria provided, conflicting classifications (1 of 4 stars). 2 submissions from 2 submitters: Uncertain significance (1); Likely benign (1). Last evaluated 2024-02-05.

Allele frequency attached by ClinVar (database versions not stated): TOPMed below 0.00001.
gnomAD v4.1: 1 of 1,265,358 alleles (0.000079%); no homozygotes.

Submissions (2):

Labcorp Genetics (formerly Invitae), Labcorp
Classification: Uncertain significance. Last evaluated: 2024-02-05. Review status: criteria provided, single submitter. Criteria: Invitae Variant Classification Sherloc (09022015). Collection method: clinical testing. Allele origin: germline.
Comment: This sequence change replaces glycine, which is neutral and non-polar, with aspartic acid, which is acidic and polar, at codon 360 of the ARID1B protein (p.Gly360Asp). The frequency data for this variant in the population databases is considered unreliable, as metrics indicate insufficient coverage at this position in the gnomAD database. This variant has not been reported in the literature in individuals affected with ARID1B-related conditions. ClinVar contains an entry for this variant (Variation ID: 1310391). Experimental studies and prediction algorithms are not available or were not evaluated, and the functional significance of this variant is currently unknown. In summary, the available evidence is currently insufficient to determine the role of this variant in disease. Therefore, it has been classified as a Variant of Uncertain Significance.

GeneDx
Classification: Likely benign. Last evaluated: 2022-10-12. Review status: criteria provided, single submitter. Criteria: GeneDx Variant Classification Process June 2021. Collection method: clinical testing. Allele origin: germline. Affected: yes.
Comment: See Variant Classification Assertion Criteria.

NM_001374828.1(ARID1B):c.1328G>A (p.Gly443Asp)

Gene: ARID1B (AT-rich interaction domain 1B; plus strand). Cytogenetic location: 6q25.3.
Variant type: single nucleotide variant.
Coding change: c.1328G>A on transcript NM_001374828.1 (MANE Select); coding-DNA position 1328, G replaced by A.
Protein change: p.Gly443Asp; replaces glycine 443 with aspartic acid.
Molecular consequence: missense variant.
Genome position (GRCh38, 1-based): chr6:156,779,008, G>A. VCF-style: chr6-156779008-G-A. GRCh37 (hg19) VCF-style: chr6-157100142-G-A.
Other names: c.1328G>A, p.Gly443Asp (NM_001371656.1, NM_001374820.1, NM_017519.3); c.1079G>A (NM_020732.3); short protein forms G443D.
Identifiers: ClinVar variation 1310391 (VCV001310391.6), dbSNP rs1387431464, ClinGen allele CA366384007.